The following is an entry in ClinVar:

ClinVar aggregate classification (germline): Likely benign. Review status: criteria provided, multiple submitters, no conflicts (2 of 4 stars). 2 submissions from 2 submitters: Likely benign (2). Last evaluated 2025-10-01.

Conditions:
Pyridoxal phosphate-responsive seizures (PNPOD). Also called: Pyridoxine-5'-phosphate oxidase deficiency; EPILEPTIC ENCEPHALOPATHY, NEONATAL, PNPO-RELATED; SEIZURES, PYRIDOXINE-RESISTANT, PLP-SENSITIVE; Pyridoxal 5'-Phosphate (PLP)-Dependent Epilepsy; Pyridoxamine 5-Prime-Phosphate Oxidase Deficiency. Identifiers: Orphanet 79096, MedGen C1864723, MONDO:0012407, OMIM 610090. Disease mechanism: loss of function.

Allele frequency attached by ClinVar (database versions not stated): ExAC 0.00002; gnomAD exomes 0.00003 and 0.00004; TOPMed 0.00003; gnomAD 0.00004 and 0.00005.
gnomAD v4.1: 52 of 1,613,290 alleles (0.0032%); highest among the groups gnomAD compares: East Asian, 0.042%; no homozygotes.

Submissions (2):

Labcorp Genetics (formerly Invitae), Labcorp
Classification: Likely benign for Pyridoxal phosphate-responsive seizures. Last evaluated: 2025-10-01. Review status: criteria provided, single submitter. Criteria: Invitae Variant Classification Sherloc (09022015). Collection method: clinical testing. Allele origin: germline.

GeneDx
Classification: Likely benign. Last evaluated: 2017-03-09. Review status: criteria provided, single submitter. Criteria: GeneDx Variant Classification (06012015). Collection method: clinical testing. Allele origin: germline. Affected: yes.
Comment: This variant is considered likely benign or benign based on one or more of the following criteria: it is a conservative change, it occurs at a poorly conserved position in the protein, it is predicted to be benign by multiple in silico algorithms, and/or has population frequency not consistent with disease.

NM_018129.4(PNPO):c.546+14C>T

Gene: PNPO (pyridoxamine 5'-phosphate oxidase; plus strand). Cytogenetic location: 17q21.32.
Variant type: single nucleotide variant.
Coding change: c.546+14C>T on transcript NM_018129.4 (MANE Select); 14 bases into the intron after coding-DNA position 546, C replaced by T.
Molecular consequence: intron variant.
Genome position (GRCh38, 1-based): chr17:47,946,003, C>T. VCF-style: chr17-47946003-C-T. GRCh37 (hg19) VCF-style: chr17-46023369-C-T.
Identifiers: ClinVar variation 508013 (VCV000508013.5), dbSNP rs749039836, ClinGen allele CA8629223.